The following is an entry in ClinVar:

ClinVar aggregate classification (germline): Uncertain significance. Review status: criteria provided, multiple submitters, no conflicts (2 of 4 stars). 2 submissions from 2 submitters: Uncertain significance (2). Last evaluated 2026-01-05.

Conditions:
Hereditary cancer-predisposing syndrome. Also called: Tumor predisposition; Hereditary neoplastic syndrome; Hereditary Cancer Syndrome; Neoplastic Syndromes, Hereditary. Identifiers: Orphanet 140162, MedGen C0027672, MeSH D009386, MONDO:0015356.

Submissions (2):

Labcorp Genetics (formerly Invitae), Labcorp
Classification: Uncertain significance. Last evaluated: 2026-01-05. Review status: criteria provided, single submitter. Criteria: Invitae Variant Classification Sherloc (09022015). Collection method: clinical testing. Allele origin: germline.
Comment: This sequence change replaces serine, which is neutral and polar, with phenylalanine, which is neutral and non-polar, at codon 1511 of the POLE protein (p.Ser1511Phe). This variant is not present in population databases (gnomAD no frequency). This variant has not been reported in the literature in individuals affected with POLE-related conditions. ClinVar contains an entry for this variant (Variation ID: 577350). Invitae Evidence Modeling of protein sequence and biophysical properties (such as structural, functional, and spatial information, amino acid conservation, physicochemical variation, residue mobility, and thermodynamic stability) indicates that this missense variant is not expected to disrupt POLE protein function with a negative predictive value of 80%. In summary, the available evidence is currently insufficient to determine the role of this variant in disease. Therefore, it has been classified as a Variant of Uncertain Significance.

Ambry Genetics
Classification: Uncertain significance for Hereditary cancer-predisposing syndrome. Last evaluated: 2023-09-01. Review status: criteria provided, single submitter. Criteria: Ambry Variant Classification Scheme 2023. Collection method: clinical testing. Allele origin: germline.
Comment: The p.S1511F variant (also known as c.4532C>T), located in coding exon 35 of the POLE gene, results from a C to T substitution at nucleotide position 4532. The serine at codon 1511 is replaced by phenylalanine, an amino acid with highly dissimilar properties. This amino acid position is conserved. In addition, this alteration is predicted to be tolerated by in silico analysis. Since supporting evidence is limited at this time, the clinical significance of this alteration remains unclear.

NM_006231.4(POLE):c.4532C>T (p.Ser1511Phe)

Gene: POLE (DNA polymerase epsilon, catalytic subunit; minus strand). Cytogenetic location: 12q24.33.
Variant type: single nucleotide variant.
Coding change: c.4532C>T on transcript NM_006231.4 (MANE Select); coding-DNA position 4532, C replaced by T.
Protein change: p.Ser1511Phe; replaces serine 1511 with phenylalanine.
Molecular consequence: missense variant.
Genome position (GRCh38, 1-based): chr12:132,643,243, G>A on the plus strand (C>T on the coding strand, the complement: POLE is on the minus strand). VCF-style: chr12-132643243-G-A. GRCh37 (hg19) VCF-style: chr12-133219829-G-A.
Other names: c.4532C>T (NM_006231.2); short protein forms S1511F.
Identifiers: ClinVar variation 577350 (VCV000577350.12), dbSNP rs1565939011, ClinGen allele CA387380356.